The following is an entry in ClinVar:

ClinVar aggregate classification (germline): Uncertain significance (1 of 4 stars; one submission).

Conditions:
Hereditary cancer-predisposing syndrome. Also called: Neoplastic Syndromes, Hereditary; Hereditary Cancer Syndrome; Hereditary neoplastic syndrome; Tumor predisposition. Identifiers: Orphanet 140162, MedGen C0027672, MeSH D009386, MONDO:0015356.

Submission:

Ambry Genetics
Classification: Uncertain significance for Hereditary cancer-predisposing syndrome. Last evaluated: 2023-04-13. Review status: criteria provided, single submitter. Criteria: Ambry Variant Classification Scheme 2023. Collection method: clinical testing. Allele origin: germline.
Comment: The p.L1617F variant (also known as c.4849C>T), located in coding exon 22 of the DICER1 gene, results from a C to T substitution at nucleotide position 4849. The leucine at codon 1617 is replaced by phenylalanine, an amino acid with highly similar properties. This amino acid position is conserved. In addition, this alteration is predicted to be tolerated by in silico analysis. Since supporting evidence is limited at this time, the clinical significance of this alteration remains unclear.

NM_177438.3(DICER1):c.4849C>T (p.Leu1617Phe)

Gene: DICER1 (dicer 1, ribonuclease III; minus strand). Cytogenetic location: 14q32.13.
Variant type: single nucleotide variant.
Coding change: c.4849C>T on transcript NM_177438.3 (MANE Select); coding-DNA position 4849, C replaced by T.
Protein change: p.Leu1617Phe; replaces leucine 1617 with phenylalanine.
Molecular consequence: missense variant. On other transcripts: non-coding transcript variant (6).
Genome position (GRCh38, 1-based): chr14:95,096,071, G>A on the plus strand (C>T on the coding strand, the complement: DICER1 is on the minus strand). VCF-style: chr14-95096071-G-A. GRCh37 (hg19) VCF-style: chr14-95562408-G-A.
Other names: c.4849C>T, p.Leu1617Phe (NM_001195573.1, NM_001271282.3, NM_001291628.2 and 13 more transcripts); c.4567C>T, p.Leu1523Phe (NM_001395686.1); c.4444C>T, p.Leu1482Phe (NM_001395687.1, NM_001395688.1, NM_001395689.1 and 2 more transcripts); c.4282C>T, p.Leu1428Phe (NM_001395691.1); c.3166C>T, p.Leu1056Phe (NM_001395697.1); short protein forms L1428F, L1617F, L1523F, L1056F, L1482F.
Identifiers: ClinVar variation 2566171 (VCV002566171.2), dbSNP rs2139842081, ClinGen allele CA390866757.